The following is an entry in ClinVar:

NM_024529.5(CDC73):c.605A>G (p.Asp202Gly)

Gene: CDC73 (cell division cycle 73; plus strand). Cytogenetic location: 1q31.2.
Variant type: single nucleotide variant.
Coding change: c.605A>G on transcript NM_024529.5 (MANE Select); coding-DNA position 605, A replaced by G.
Protein change: p.Asp202Gly; replaces aspartic acid 202 with glycine.
Molecular consequence: missense variant.
Genome position (GRCh38, 1-based): chr1:193,141,942, A>G. VCF-style: chr1-193141942-A-G. GRCh37 (hg19) VCF-style: chr1-193111072-A-G.
Other names: short protein forms D202G.
Identifiers: ClinVar variation 4631687 (VCV004631687.1).
Genomic context (GRCh38, chr1:193,141,942, plus strand): 5'-TTGCTGCAATCAAAGCCAAAATTATGGCTAAGAAAAGATCTACTATCAAGACTGATCTAG[A>G]TGATGACATAACTGCCCTTAAACAGAGGAGTTTTGTGGATGCTGAGGTAGATGTGACCCG-3'
Protein context (NP_078805.3, residues 192-212): KKRSTIKTDL[Asp202Gly]DDITALKQRS

ClinVar aggregate classification (germline): Uncertain significance (1 of 4 stars; one submission).

Conditions:
Hereditary cancer-predisposing syndrome. Also called: Neoplastic Syndromes, Hereditary; Tumor predisposition; Hereditary Cancer Syndrome; Hereditary neoplastic syndrome. Identifiers: Orphanet 140162, MedGen C0027672, MeSH D009386, MONDO:0015356.

Submission:

Ambry Genetics
Classification: Uncertain significance for Hereditary cancer-predisposing syndrome. Last evaluated: 2025-11-17. Review status: criteria provided, single submitter. Criteria: Ambry Variant Classification Scheme 2023. Collection method: clinical testing. Allele origin: germline.
Comment: The p.D202G variant (also known as c.605A>G), located in coding exon 7 of the CDC73 gene, results from an A to G substitution at nucleotide position 605. The aspartic acid at codon 202 is replaced by glycine, an amino acid with similar properties. This amino acid position is conserved. In addition, the in silico prediction for this alteration is inconclusive. Based on the available evidence, the clinical significance of this variant remains unclear.